The following is an entry in ClinVar:

ClinVar aggregate classification (germline): Uncertain significance (1 of 4 stars; one submission).

Conditions:
Spastic paraplegia. Identifiers: MedGen C0037772, HP:0001258.

gnomAD v4.1: 4 of 1,211,203 alleles (0.00033%); highest among the groups gnomAD compares: South Asian, 0.0018%; no homozygotes.

Submission:

Labcorp Genetics (formerly Invitae), Labcorp
Classification: Uncertain significance for Spastic paraplegia. Last evaluated: 2025-12-29. Review status: criteria provided, single submitter. Criteria: Invitae Variant Classification Sherloc (09022015). Collection method: clinical testing. Allele origin: germline.
Comment: This sequence change replaces serine, which is neutral and polar, with threonine, which is neutral and polar, at codon 1128 of the L1CAM protein (p.Ser1128Thr). This variant is not present in population databases (gnomAD no frequency). This variant has not been reported in the literature in individuals affected with L1CAM-related conditions. Invitae Evidence Modeling of protein sequence and biophysical properties (such as structural, functional, and spatial information, amino acid conservation, physicochemical variation, residue mobility, and thermodynamic stability) indicates that this missense variant is not expected to disrupt L1CAM protein function with a negative predictive value of 95%. In summary, the available evidence is currently insufficient to determine the role of this variant in disease. Therefore, it has been classified as a Variant of Uncertain Significance.

NM_001278116.2(L1CAM):c.3383G>C (p.Ser1128Thr)

Gene: L1CAM (L1 cell adhesion molecule; minus strand). Cytogenetic location: Xq28.
Variant type: single nucleotide variant.
Coding change: c.3383G>C on transcript NM_001278116.2 (MANE Select); coding-DNA position 3383, G replaced by C.
Protein change: p.Ser1128Thr; replaces serine 1128 with threonine.
Molecular consequence: missense variant.
Genome position (GRCh38, 1-based): chrX:153,863,957, C>G on the plus strand (G>C on the coding strand, the complement: L1CAM is on the minus strand). VCF-style: chrX-153863957-C-G. GRCh37 (hg19) VCF-style: chrX-153129412-C-G.
Other names: c.3383G>C, p.Ser1128Thr (NM_000425.5, NM_024003.3); c.3368G>C, p.Ser1123Thr (NM_001143963.2); short protein forms S1123T, S1128T.
Identifiers: ClinVar variation 4698836 (VCV004698836.1).